The following is an entry in ClinVar:

ClinVar aggregate classification (germline): Benign/Likely benign. Review status: criteria provided, multiple submitters, no conflicts (2 of 4 stars). 5 submissions from 5 submitters: Benign (2); Likely benign (3). Last evaluated 2025-04-02.

Conditions:
Hereditary cancer-predisposing syndrome. Also called: Tumor predisposition; Hereditary neoplastic syndrome; Neoplastic Syndromes, Hereditary; Hereditary Cancer Syndrome. Identifiers: Orphanet 140162, MedGen C0027672, MeSH D009386, MONDO:0015356.
Familial adenomatous polyposis 1 (FAP1). Also called: FAMILIAL ADENOMATOUS POLYPOSIS 1, ATTENUATED; POLYPOSIS, ADENOMATOUS INTESTINAL. Identifiers: MedGen C2713442, MONDO:0021056, OMIM 175100. Disease mechanism: loss of function.

Allele frequency attached by ClinVar (database versions not stated): gnomAD exomes below 0.00001; ExAC 0.00001.
gnomAD v4.1: 2 of 1,614,088 alleles (0.00012%); highest among the groups gnomAD compares: Middle Eastern, 0.016%; no homozygotes.

Submissions (5):

Labcorp Genetics (formerly Invitae), Labcorp
Classification: Likely benign for Familial adenomatous polyposis 1. Last evaluated: 2025-04-02. Review status: criteria provided, single submitter. Criteria: Invitae Variant Classification Sherloc (09022015). Collection method: clinical testing. Allele origin: germline.

KCCC/NGS Laboratory, Kuwait Cancer Control Center
Classification: Benign for Familial adenomatous polyposis 1. Last evaluated: 2025-02-01. Review status: criteria provided, single submitter. Criteria: ACMG Guidelines, 2015. Collection method: clinical testing. Allele origin: germline. Affected: no.

Ambry Genetics
Classification: Likely benign for Hereditary cancer-predisposing syndrome. Last evaluated: 2024-04-06. Review status: criteria provided, single submitter. Criteria: Ambry Variant Classification Scheme 2023. Collection method: clinical testing. Allele origin: germline.

Myriad Genetics, Inc.
Classification: Benign for Familial adenomatous polyposis 1. Last evaluated: 2024-03-27. Review status: criteria provided, single submitter. Criteria: Myriad Autosomal Dominant, Autosomal Recessive and X-Linked Classification Criteria (2023). Collection method: clinical testing. Allele origin: unknown.
Comment: This variant is considered benign. This variant is a silent/synonymous amino acid change and it is not expected to impact splicing.

GeneDx
Classification: Likely benign. Last evaluated: 2017-01-11. Review status: criteria provided, single submitter. Criteria: GeneDx Variant Classification (06012015). Collection method: clinical testing. Allele origin: germline. Affected: yes.
Comment: This variant is considered likely benign or benign based on one or more of the following criteria: it is a conservative change, it occurs at a poorly conserved position in the protein, it is predicted to be benign by multiple in silico algorithms, and/or has population frequency not consistent with disease.

NM_000038.6(APC):c.4683G>A (p.Lys1561=)

Gene: APC (APC regulator of Wnt signaling pathway; plus strand). Cytogenetic location: 5q22.2.
Variant type: single nucleotide variant.
Coding change: c.4683G>A on transcript NM_000038.6 (MANE Select); coding-DNA position 4683, G replaced by A.
Protein change: p.Lys1561=; no amino-acid change (lysine 1561 retained).
Molecular consequence: synonymous variant.
Genome position (GRCh38, 1-based): chr5:112,840,277, G>A. VCF-style: chr5-112840277-G-A. GRCh37 (hg19) VCF-style: chr5-112175974-G-A.
Other names: c.4683G>A, p.Lys1561= (NM_001127510.3, NM_001354895.2); c.4629G>A, p.Lys1543= (NM_001127511.3); c.4737G>A, p.Lys1579= (NM_001354896.2); c.4713G>A, p.Lys1571= (NM_001354897.2); c.4608G>A, p.Lys1536= (NM_001354898.2); c.4599G>A, p.Lys1533= (NM_001354899.2); c.4560G>A, p.Lys1520= (NM_001354900.2); c.4506G>A, p.Lys1502= (NM_001354901.2); and 5 more.
Identifiers: ClinVar variation 378948 (VCV000378948.8), dbSNP rs774900184, ClinGen allele CA039565.
Genomic context (GRCh38, chr5:112,840,277, plus strand): 5'-GCCTAAAGAATCAAATGAAAACCAAGAGAAAGAGGCAGAAAAAACTATTGATTCTGAAAA[G>A]GACCTATTAGATGATTCAGATGATGATGATATTGAAATACTAGAAGAATGTATTATTTCT-3'
Protein context (NP_000029.2, residues 1551-1571): KEAEKTIDSE[Lys1561=]DLLDDSDDDD